The following is an entry in ClinVar:

ClinVar aggregate classification (germline): Uncertain significance. Review status: criteria provided, multiple submitters, no conflicts (2 of 4 stars). 2 submissions from 2 submitters: Uncertain significance (2). Last evaluated 2025-10-08.

Allele frequency attached by ClinVar (database versions not stated): gnomAD 0.00001; gnomAD exomes 0.00001.
gnomAD v4.1: 9 of 1,614,086 alleles (0.00056%); highest among the groups gnomAD compares: Non-Finnish European, 0.00076%; no homozygotes.

Submissions (2):

Labcorp Genetics (formerly Invitae), Labcorp
Classification: Uncertain significance. Last evaluated: 2025-10-08. Review status: criteria provided, single submitter. Criteria: Invitae Variant Classification Sherloc (09022015). Collection method: clinical testing. Allele origin: germline.
Comment: This sequence change replaces leucine, which is neutral and non-polar, with histidine, which is basic and polar, at codon 307 of the ADNP protein (p.Leu307His). This variant is present in population databases (no rsID available, gnomAD 0.002%). This variant has not been reported in the literature in individuals affected with ADNP-related conditions. ClinVar contains an entry for this variant (Variation ID: 1675862). An algorithm developed to predict the effect of missense changes on protein structure and function (PolyPhen-2) suggests that this variant is likely to be disruptive. In summary, the available evidence is currently insufficient to determine the role of this variant in disease. Therefore, it has been classified as a Variant of Uncertain Significance.

CeGaT Center for Human Genetics Tuebingen
Classification: Uncertain significance. Last evaluated: 2022-03-01. Review status: criteria provided, single submitter. Criteria: CeGaT Center For Human Genetics Tuebingen Variant Classification Criteria Version 2. Collection method: clinical testing. Allele origin: germline. Affected: yes. Observed: 1 variant allele.
Comment: ADNP: PM2, BP1

NM_001282531.3(ADNP):c.920T>A (p.Leu307His)

Gene: ADNP (activity dependent neuroprotector homeobox; minus strand). Cytogenetic location: 20q13.13.
Variant type: single nucleotide variant.
Coding change: c.920T>A on transcript NM_001282531.3 (MANE Select); coding-DNA position 920, T replaced by A.
Protein change: p.Leu307His; replaces leucine 307 with histidine.
Molecular consequence: missense variant.
Genome position (GRCh38, 1-based): chr20:50,893,794, A>T on the plus strand (T>A on the coding strand, the complement: ADNP is on the minus strand). VCF-style: chr20-50893794-A-T. GRCh37 (hg19) VCF-style: chr20-49510331-A-T.
Other names: c.920T>A, p.Leu307His (NM_001282532.2, NM_001347511.2, NM_015339.5 and 1 more transcripts); short protein forms L307H.
Identifiers: ClinVar variation 1675862 (VCV001675862.37), dbSNP rs1449051037, ClinGen allele CA408975069.